The following is an entry in ClinVar:

NM_001258392.3(CLPB):c.1731T>A (p.Asp577Glu)

Gene: CLPB (ClpB family mitochondrial disaggregase; minus strand). Cytogenetic location: 11q13.4.
Variant type: single nucleotide variant.
Coding change: c.1731T>A on transcript NM_001258392.3 (MANE Select); coding-DNA position 1731, T replaced by A.
Protein change: p.Asp577Glu; replaces aspartic acid 577 with glutamic acid.
Molecular consequence: missense variant.
Genome position (GRCh38, 1-based): chr11:72,294,076, A>T on the plus strand (T>A on the coding strand, the complement: CLPB is on the minus strand). VCF-style: chr11-72294076-A-T. GRCh37 (hg19) VCF-style: chr11-72005120-A-T.
Other names: c.1644T>A, p.Asp548Glu (NM_001258393.3); c.1686T>A, p.Asp562Glu (NM_001258394.3); c.1821T>A, p.Asp607Glu (NM_030813.6); short protein forms D562E, D548E, D577E, D607E.
Identifiers: ClinVar variation 4734143 (VCV004734143.1).

ClinVar aggregate classification (germline): Uncertain significance (1 of 4 stars; one submission).

Conditions:
3-methylglutaconic aciduria, type VIIB (MGCA7B). Also called: CLPB Deficiency; 3-methylglutaconic aciduria, type VII, with cataracts, neurologic involvement and neutropenia; 3-methylglutaconic aciduria with cataracts, neurologic involvement and neutropenia. Identifiers: Orphanet 445038, MedGen C5676893, MONDO:0014561, OMIM 616271.

Submission:

Labcorp Genetics (formerly Invitae), Labcorp
Classification: Uncertain significance for 3-methylglutaconic aciduria, type VIIB. Last evaluated: 2025-12-29. Review status: criteria provided, single submitter. Criteria: Invitae Variant Classification Sherloc (09022015). Collection method: clinical testing. Allele origin: germline.
Comment: This sequence change replaces aspartic acid, which is acidic and polar, with glutamic acid, which is acidic and polar, at codon 607 of the CLPB protein (p.Asp607Glu). This variant is not present in population databases (gnomAD no frequency). This variant has not been reported in the literature in individuals affected with CLPB-related conditions. An algorithm developed to predict the effect of missense changes on protein structure and function (PolyPhen-2) suggests that this variant is likely to be tolerated. In summary, the available evidence is currently insufficient to determine the role of this variant in disease. Therefore, it has been classified as a Variant of Uncertain Significance.